The following is an entry in ClinVar:

NM_000443.4(ABCB4):c.2149T>A (p.Cys717Ser)

Gene: ABCB4 (ATP binding cassette subfamily B member 4; minus strand). Cytogenetic location: 7q21.12.
Variant type: single nucleotide variant.
Coding change: c.2149T>A on transcript NM_000443.4 (MANE Select); coding-DNA position 2149, T replaced by A.
Protein change: p.Cys717Ser; replaces cysteine 717 with serine.
Molecular consequence: missense variant.
Genome position (GRCh38, 1-based): chr7:87,423,968, A>T on the plus strand (T>A on the coding strand, the complement: ABCB4 is on the minus strand). VCF-style: chr7-87423968-A-T. GRCh37 (hg19) VCF-style: chr7-87053284-A-T.
Other names: c.2149T>A (NM_000443.3); c.2149T>A, p.Cys717Ser (NM_018850.3, NM_018849.3); short protein forms C717S.
Identifiers: ClinVar variation 4687110 (VCV004687110.3).

ClinVar aggregate classification (germline): Uncertain significance. Review status: criteria provided, multiple submitters, no conflicts (2 of 4 stars). 3 submissions from 3 submitters: Uncertain significance (3). Last evaluated 2026-04-14.

Conditions:
Familial intrahepatic cholestasis. Identifiers: Orphanet 284385, MedGen CN296401, MONDO:0017290.
Low phospholipid associated cholelithiasis (GBD1). Also called: Gallbladder disease 1; Gallstone cholecystitis. Identifiers: Orphanet 69663, MedGen C2609268, MONDO:0010939, OMIM 600803.
ABCB4-related disorder. Also called: ABCB4-related disorders; ABCB4-related condition.

gnomAD v4.1: 19 of 1,614,094 alleles (0.0012%); highest among the groups gnomAD compares: Non-Finnish European, 0.0011%; no homozygotes.

Submissions (3):

Genomenon, Inc
Classification: Uncertain significance for Familial intrahepatic cholestasis; Low phospholipid associated cholelithiasis. Last evaluated: 2026-04-14. Review status: criteria provided, single submitter. Criteria: Genomenon Sequence Variant Interpretation Standards - Updated. Collection method: curation. Allele origin: germline. Affected: yes.
Comment: ABCB4 p.Cys717Ser (c.2149T>A) is a missense variant that changes the amino acid at residue 717 from Cysteine to Serine. This variant has been observed in at least one proband with an ABCB4-related disorder (PMID:33757843;31115781). The variant was found to segregate with disease in at least one affected family (PMID:31115781). It is absent or not present at a significant frequency in gnomAD. In silico models predict that this variant is possibly or probably damaging. In conclusion, we classify ABCB4 p.Cys717Ser (c.2149T>A) as a variant of uncertain significance.

Women's Health and Genetics/Laboratory Corporation of America, LabCorp
Classification: Uncertain significance. Last evaluated: 2025-10-22. Review status: criteria provided, single submitter. Criteria: LabCorp Variant Classification Summary - May 2015. Collection method: clinical testing. Allele origin: germline.
Comment: Variant summary: ABCB4 c.2149T>A (p.Cys717Ser) results in a non-conservative amino acid change in the encoded protein sequence. Algorithms developed to predict the effect of missense changes on protein structure and function are either unavailable or do not agree on the potential impact of this missense change. The variant allele was found at a frequency of 4e-06 in 251152 control chromosomes. c.2149T>A has been observed in the heterozygous state in 2 related individuals with low phospholipid-associated cholelithiasis (LPAC) syndrome and in the presumed compound heterozygous state in 1 individual(s) affected with Progressive Familial Intrahepatic Cholestasis. These data indicate that the variant may be associated with disease. To our knowledge, no experimental evidence demonstrating an impact on protein function has been reported. The following publications have been ascertained in the context of this evaluation (PMID: 33390354, 33757843, 38374565, 40110281, 32793533, 36550572, 31115781). No submitters have cited clinical-significance assessments for this variant to ClinVar. Based on the evidence outlined above, the variant was classified as VUS-possibly pathogenic.

PreventionGenetics, part of Exact Sciences
Classification: Uncertain significance for ABCB4-related condition. Last evaluated: 2025-01-29. Review status: criteria provided, single submitter. Criteria: ACMG Guidelines, 2015. Collection method: clinical testing. Allele origin: germline.
Comment: The ABCB4 c.2149T>A variant is predicted to result in the amino acid substitution p.Cys717Ser. This variant has been reported in two related individuals with gallstones and in another unrelated individual with jaundice (Ishizawa et al. 2019. PubMed ID: 31115781; Hegarty et al. 2024. PubMed ID: 38374565). This variant has also been reported in the compound heterozygous state in an individual with chronic cholestatic liver disease (Lipiński et al. 2020. PubMed ID: 32793533). This variant is reported in 0.0046% of alleles in individuals of European (Finnish) descent in gnomAD. Although we suspect that this variant may be pathogenic, at this time, the clinical significance of this variant is uncertain due to the absence of conclusive functional and genetic evidence.

Literature cited by the submitters: PubMed 33757843 (cited by Genomenon, Inc and Women's Health and Genetics/Laboratory Corporation of America, LabCorp); PubMed 31115781 (cited by Genomenon, Inc and Women's Health and Genetics/Laboratory Corporation of America, LabCorp); PubMed 33390354 (cited by Women's Health and Genetics/Laboratory Corporation of America, LabCorp); PubMed 32793533 (cited by Women's Health and Genetics/Laboratory Corporation of America, LabCorp); PubMed 38374565 (cited by Women's Health and Genetics/Laboratory Corporation of America, LabCorp); PubMed 36550572 (cited by Women's Health and Genetics/Laboratory Corporation of America, LabCorp); PubMed 40110281 (cited by Women's Health and Genetics/Laboratory Corporation of America, LabCorp).